The following is an entry in ClinVar:

NM_005826.5(HNRNPR):c.1600dup (p.Ala534fs)

Gene: HNRNPR (heterogeneous nuclear ribonucleoprotein R; minus strand). Cytogenetic location: 1p36.12.
Variant type: Duplication.
Coding change: c.1600dup on transcript NM_005826.5 (MANE Select); coding-DNA position 1600, one base duplicated (G; older notation c.1600dupG).
Protein change: p.Ala534fs; shifts the reading frame from alanine 534.
Molecular consequence: frameshift variant.
Genome position (GRCh38, 1-based): chr1:23,310,756, C duplicated on the plus strand (G on the coding strand, the reverse complement: HNRNPR is on the minus strand); the first of 6 consecutive C bases (chr1:23,310,756-23,310,761); duplicating any one gives the same sequence. VCF-style (leftmost placement, unchanged base first): chr1-23310755-G-GC. GRCh37 (hg19) VCF-style: chr1-23637248-G-GC.
Other names: c.1297dup, p.Ala433fs (NM_001102397.3); c.1609dup, p.Ala537fs (NM_001102398.3); c.1306dup, p.Ala436fs (NM_001102399.3); c.1486dup, p.Ala496fs (NM_001297620.2); c.1120dup, p.Ala374fs (NM_001297621.2); c.1183dup, p.Ala395fs (NM_001297622.2); short protein forms A374fs, A395fs, A433fs, A436fs, A496fs, A534fs, A537fs.
Identifiers: ClinVar variation 1710307 (VCV001710307.2), dbSNP rs35459559, ClinGen allele CA2580061500.

ClinVar aggregate classification (germline): Pathogenic. Review status: criteria provided, single submitter (1 of 4 stars). 2 submissions from 2 submitters: Pathogenic (1). 1 of the submissions does not count toward it. Last evaluated 2026-05-29.

Conditions:
Neurodevelopmental disorder with dysmorphic facies and skeletal and brain abnormalities (NEDDFSB). Identifiers: Orphanet 662189, MedGen C5774231, MONDO:0859297, OMIM 620073.

Submissions (2):

Greenwood Genetic Center Diagnostic Laboratories, Greenwood Genetic Center
Classification: Pathogenic for Neurodevelopmental disorder with dysmorphic facies and skeletal and brain abnormalities. Last evaluated: 2026-05-29. Review status: criteria provided, single submitter. Criteria: ACMG Guidelines, 2015. Collection method: clinical testing. Allele origin: germline. Affected: yes.
Comment: PS2, PS3, PS4_Supporting, PM2

OMIM
Classification: Pathogenic for NEURODEVELOPMENTAL DISORDER WITH DYSMORPHIC FACIES AND SKELETAL AND BRAIN ABNORMALITIES. Last evaluated: 2022-10-13. Review status: no assertion criteria provided. Collection method: literature only. Allele origin: germline. Not counted in ClinVar's aggregate classification.

Literature cited by the submitters: PubMed 31079900 (cited by OMIM).